The following is an entry in ClinVar:

NM_000455.5(STK11):c.1299G>C (p.Gln433His)

Gene: STK11 (serine/threonine kinase 11; plus strand). Cytogenetic location: 19p13.3.
Variant type: single nucleotide variant.
Coding change: c.1299G>C on transcript NM_000455.5 (MANE Select); coding-DNA position 1299, G replaced by C.
Protein change: p.Gln433His; replaces glutamine 433 with histidine.
Molecular consequence: missense variant. On other transcripts: non-coding transcript variant (1).
Genome position (GRCh38, 1-based): chr19:1,226,644, G>C. VCF-style: chr19-1226644-G-C. GRCh37 (hg19) VCF-style: chr19-1226643-G-C.
Other names: short protein forms Q433H.
Identifiers: ClinVar variation 4802516 (VCV004802516.1).

ClinVar aggregate classification (germline): Uncertain significance (1 of 4 stars; one submission).

Conditions:
Peutz-Jeghers syndrome (PJS). Also called: POLYPOSIS, HAMARTOMATOUS INTESTINAL; POLYPS-AND-SPOTS SYNDROME; Peutz-Jeghers polyposis; Periorificial lentiginosis syndrome. Identifiers: Orphanet 2869, MedGen C0031269, MeSH D010580, MONDO:0008280, OMIM 175200.

gnomAD v4.1: 1 of 1,528,476 alleles (0.000065%); highest among the groups gnomAD compares: East Asian, 0.0025%; no homozygotes.

Submission:

Labcorp Genetics (formerly Invitae), Labcorp
Classification: Uncertain significance for Peutz-Jeghers syndrome. Last evaluated: 2025-11-05. Review status: criteria provided, single submitter. Criteria: Invitae Variant Classification Sherloc (09022015). Collection method: clinical testing. Allele origin: germline.
Comment: This sequence change replaces glutamine, which is neutral and polar, with histidine, which is basic and polar, at codon 433 of the STK11 protein (p.Gln433His). This variant is not present in population databases (gnomAD no frequency). This variant has not been reported in the literature in individuals affected with STK11-related conditions. Invitae Evidence Modeling of protein sequence and biophysical properties (such as structural, functional, and spatial information, amino acid conservation, physicochemical variation, residue mobility, and thermodynamic stability) has been performed for this missense variant. However, the output from this modeling did not meet the statistical confidence thresholds required to predict the impact of this variant on STK11 protein function. In summary, the available evidence is currently insufficient to determine the role of this variant in disease. Therefore, it has been classified as a Variant of Uncertain Significance.